The following is an entry in ClinVar:

ClinVar aggregate classification (germline): Likely benign. Review status: criteria provided, multiple submitters, no conflicts (2 of 4 stars). 2 submissions from 2 submitters: Likely benign (2). Last evaluated 2025-04-23.

Conditions:
Juvenile polyposis syndrome (JPS). Identifiers: Orphanet 2929, MedGen C0345893, MONDO:0017380, OMIM 174900.
Juvenile polyposis/hereditary hemorrhagic telangiectasia syndrome (JPHT). Also called: JP/HHT SYNDROME; JUVENILE POLYPOSIS WITH HEREDITARY HEMORRHAGIC TELANGIECTASIA; POLYPOSIS, GENERALIZED JUVENILE, WITH PULMONARY ARTERIOVENOUS MALFORMATION; TELANGIECTASIA, HEREDITARY HEMORRHAGIC, WITH JUVENILE POLYPOSIS COLI; Juvenile Polyposis Syndrome / Hereditary Hemorrhagic Telangiectasia (JPS/HHT). Identifiers: Orphanet 2929, MedGen C1832942, MONDO:0008278, OMIM 175050.

Allele frequency attached by ClinVar (database versions not stated): gnomAD exomes below 0.00001.

Submissions (2):

Labcorp Genetics (formerly Invitae), Labcorp
Classification: Likely benign for Juvenile polyposis syndrome. Last evaluated: 2025-04-23. Review status: criteria provided, single submitter. Criteria: Invitae Variant Classification Sherloc (09022015). Collection method: clinical testing. Allele origin: germline.

Myriad Genetics, Inc.
Classification: Likely benign for Juvenile polyposis/hereditary hemorrhagic telangiectasia syndrome. Last evaluated: 2025-03-19. Review status: criteria provided, single submitter. Criteria: Myriad Autosomal Dominant, Autosomal Recessive and X-Linked Classification Criteria (2023). Collection method: clinical testing. Allele origin: unknown.
Comment: This variant is considered likely benign. This variant is intronic and is not expected to impact mRNA splicing.

NM_005359.6(SMAD4):c.425-18C>T

Gene: SMAD4 (SMAD family member 4; plus strand). Cytogenetic location: 18q21.2.
Variant type: single nucleotide variant.
Coding change: c.425-18C>T on transcript NM_005359.6 (MANE Select); 18 bases into the intron before coding-DNA position 425, C replaced by T.
Molecular consequence: intron variant.
Genome position (GRCh38, 1-based): chr18:51,049,277, C>T. VCF-style: chr18-51049277-C-T. GRCh37 (hg19) VCF-style: chr18-48575647-C-T.
Identifiers: ClinVar variation 2069653 (VCV002069653.5), dbSNP rs2144407398, ClinGen allele CA2580095881.